The following is an entry in ClinVar:

NM_002769.5(PRSS1):c.58G>A (p.Asp20Asn)

Genes: PRSS1 (serine protease 1; plus strand), TRB (T cell receptor beta locus; plus strand). Cytogenetic location: 7q34.
Variant type: single nucleotide variant.
Coding change: c.58G>A on transcript NM_002769.5 (MANE Select); coding-DNA position 58, G replaced by A.
Protein change: p.Asp20Asn; replaces aspartic acid 20 with asparagine.
Molecular consequence: missense variant.
Genome position (GRCh38, 1-based): chr7:142,750,572, G>A. VCF-style: chr7-142750572-G-A. GRCh37 (hg19) VCF-style: chr7-142458423-G-A.
Other names: c.58G>A (NM_002769.4); short protein forms D20N.
Identifiers: ClinVar variation 1511516 (VCV001511516.10), dbSNP rs774895653, ClinGen allele CA4529661.

ClinVar aggregate classification (germline): Uncertain significance. Review status: criteria provided, multiple submitters, no conflicts (2 of 4 stars). 2 submissions from 2 submitters: Uncertain significance (2). Last evaluated 2025-09-19.

Conditions:
Hereditary pancreatitis (PCTT). Also called: Hereditary chronic pancreatitis; PRSS1-Related Hereditary Pancreatitis. Identifiers: Orphanet 676, MedGen C0238339, MONDO:0008185, OMIM 167800.

Allele frequency attached by ClinVar (database versions not stated): gnomAD exomes below 0.00001; ExAC 0.00001.
gnomAD v4.1: 6 of 1,614,012 alleles (0.00037%); highest among the groups gnomAD compares: Non-Finnish European, 0.00051%; no homozygotes.

Submissions (2):

Ambry Genetics
Classification: Uncertain significance for Hereditary pancreatitis. Last evaluated: 2025-09-19. Review status: criteria provided, single submitter. Criteria: Ambry Variant Classification Scheme 2023. Collection method: clinical testing. Allele origin: germline.
Comment: The p.D20N variant (also known as c.58G>A), located in coding exon 2 of the PRSS1 gene, results from a G to A substitution at nucleotide position 58. The aspartic acid at codon 20 is replaced by asparagine, an amino acid with highly similar properties. This amino acid position is conserved. In addition, this alteration is predicted to be tolerated by in silico analysis. Since supporting evidence is limited at this time, the clinical significance of this alteration remains unclear.

Labcorp Genetics (formerly Invitae), Labcorp
Classification: Uncertain significance for Hereditary pancreatitis. Last evaluated: 2021-03-02. Review status: criteria provided, single submitter. Criteria: Invitae Variant Classification Sherloc (09022015). Collection method: clinical testing. Allele origin: germline.
Comment: In summary, the available evidence is currently insufficient to determine the role of this variant in disease. Therefore, it has been classified as a Variant of Uncertain Significance. Algorithms developed to predict the effect of missense changes on protein structure and function output the following: SIFT: "Deleterious"; PolyPhen-2: "Benign"; Align-GVGD: "Class C0". The asparagine amino acid residue is found in multiple mammalian species, suggesting that this missense change does not adversely affect protein function. These predictions have not been confirmed by published functional studies and their clinical significance is uncertain. This variant has not been reported in the literature in individuals with PRSS1-related conditions. This variant is present in population databases (rs774895653, ExAC 0.001%). This sequence change replaces aspartic acid with asparagine at codon 20 of the PRSS1 protein (p.Asp20Asn). The aspartic acid residue is highly conserved and there is a small physicochemical difference between aspartic acid and asparagine.